The following is an entry in ClinVar:

ClinVar aggregate classification (germline): Uncertain significance (1 of 4 stars; one submission).

Conditions:
Inborn genetic diseases. Identifiers: MedGen C0950123, MeSH D030342.

Allele frequency attached by ClinVar (database versions not stated): ExAC 0.00001; gnomAD 0.00001; gnomAD exomes 0.00001; TOPMed 0.00003.

Submission:

Ambry Genetics
Classification: Uncertain significance for Inborn genetic diseases. Last evaluated: 2021-10-29. Review status: criteria provided, single submitter. Criteria: Ambry Variant Classification Scheme 2023. Collection method: clinical testing. Allele origin: germline.
Comment: The c.572-4A>G intronic alteration consists of a A to G substitution 4 nucleotides before exon 7 of the ACTL6A gene. Based on insufficient or conflicting evidence, the clinical significance of this alteration remains unclear.

NM_004301.5(ACTL6A):c.572-4A>G

Gene: ACTL6A (actin like 6A; plus strand). Cytogenetic location: 3q26.33.
Variant type: single nucleotide variant.
Coding change: c.572-4A>G on transcript NM_004301.5 (MANE Select); 4 bases into the intron before coding-DNA position 572, A replaced by G.
Molecular consequence: intron variant.
Genome position (GRCh38, 1-based): chr3:179,576,616, A>G. VCF-style: chr3-179576616-A-G. GRCh37 (hg19) VCF-style: chr3-179294404-A-G.
Other names: c.446-4A>G (NM_178042.4, NM_177989.4).
Identifiers: ClinVar variation 2243307 (VCV002243307.2), dbSNP rs754405685, ClinGen allele CA2712851.
Genomic context (GRCh38, chr3:179,576,616, plus strand): 5'-AGGAAATTCGTTCAAGGAAGTTTGGACTTACTGCCCTCTTAGCCTTGTTTCATCTGTTTC[A>G]TAGGCATTGTGAAATCCCCTCTTGCTGGAGACTTTATTACTATGCAGTGCAGAGAACTCT-3'